The following is an entry in ClinVar:

NM_020436.5(SALL4):c.2771A>G (p.Asn924Ser)

Gene: SALL4 (spalt like transcription factor 4; minus strand). Cytogenetic location: 20q13.2.
Variant type: single nucleotide variant.
Coding change: c.2771A>G on transcript NM_020436.5 (MANE Select); coding-DNA position 2771, A replaced by G.
Protein change: p.Asn924Ser; replaces asparagine 924 with serine.
Molecular consequence: missense variant.
Genome position (GRCh38, 1-based): chr20:51,784,656, T>C on the plus strand (A>G on the coding strand, the complement: SALL4 is on the minus strand). VCF-style: chr20-51784656-T-C. GRCh37 (hg19) VCF-style: chr20-50401195-T-C.
Other names: c.1460A>G, p.Asn487Ser (NM_001318031.2); short protein forms N487S, N924S.
Identifiers: ClinVar variation 3624163 (VCV003624163.2).

ClinVar aggregate classification (germline): Uncertain significance (1 of 4 stars; one submission).

Conditions:
Duane-radial ray syndrome (DRRS). Also called: DR SYNDROME; DUANE ANOMALY WITH RADIAL RAY ABNORMALITIES AND DEAFNESS; Duane-Radial Ray Syndrome/Okihiro Syndrome; ACRORENOOCULAR SYNDROME; Okihiro Syndrome; Duane-Radial Ray Syndrome (DRRS) / Okihiro Syndrome. Identifiers: Orphanet 93293, Orphanet 959, MedGen C1623209, MONDO:0011812, OMIM 607323. Disease mechanism: gain of function.

gnomAD v4.1: 3 of 1,614,080 alleles (0.00019%); highest among the groups gnomAD compares: Non-Finnish European, 0.00025%; no homozygotes.

Submission:

Labcorp Genetics (formerly Invitae), Labcorp
Classification: Uncertain significance for Duane-radial ray syndrome. Last evaluated: 2024-11-09. Review status: criteria provided, single submitter. Criteria: Invitae Variant Classification Sherloc (09022015). Collection method: clinical testing. Allele origin: germline.
Comment: This sequence change replaces asparagine, which is neutral and polar, with serine, which is neutral and polar, at codon 924 of the SALL4 protein (p.Asn924Ser). This variant is not present in population databases (gnomAD no frequency). This variant has not been reported in the literature in individuals affected with SALL4-related conditions. An algorithm developed to predict the effect of missense changes on protein structure and function (PolyPhen-2) suggests that this variant is likely to be disruptive. In summary, the available evidence is currently insufficient to determine the role of this variant in disease. Therefore, it has been classified as a Variant of Uncertain Significance.